The following is an entry in ClinVar:

NM_003900.5(SQSTM1):c.962G>A (p.Arg321His)

Gene: SQSTM1 (sequestosome 1; plus strand). Cytogenetic location: 5q35.3.
Variant type: single nucleotide variant.
Coding change: c.962G>A on transcript NM_003900.5 (MANE Select); coding-DNA position 962, G replaced by A.
Protein change: p.Arg321His; replaces arginine 321 with histidine.
Molecular consequence: missense variant.
Genome position (GRCh38, 1-based): chr5:179,833,239, G>A. VCF-style: chr5-179833239-G-A. GRCh37 (hg19) VCF-style: chr5-179260239-G-A.
Other names: c.710G>A, p.Arg237His (NM_001142298.2, NM_001142299.2); short protein forms R237H, R321H.
Identifiers: ClinVar variation 660485 (VCV000660485.21), dbSNP rs752889531, ClinGen allele CA3600743.
Genomic context (GRCh38, chr5:179,833,239, plus strand): 5'-AGGGCGCCACGCAGTCTCTGGCGGAGCAGATGAGGAAGATCGCCTTGGAGTCCGAGGGGC[G>A]CCCTGAGGCAAGCCTGTGCCCCTCCCGCCACCTGGGACCACGGCCAGCCTAGTGATCTGT-3'
Protein context (NP_003891.1, residues 311-331): MRKIALESEG[Arg321His]PEEQMESDNC

ClinVar aggregate classification (germline): Uncertain significance. Review status: criteria provided, multiple submitters, no conflicts (2 of 4 stars). 6 submissions from 6 submitters: Uncertain significance (6). Last evaluated 2026-03-02.

Conditions:
Paget disease of bone 2, early-onset (PDB2). Also called: Paget disease of bone 2. Identifiers: MedGen C4085251, MONDO:0011183, OMIM 602080.
Frontotemporal dementia and/or amyotrophic lateral sclerosis 1 (FTDALS1). Also called: C9orf72 Frontotemporal Dementia and/or Amyotrophic Lateral Sclerosis; Frontotemporal dementia with motor neuron disease 1. Identifiers: Orphanet 275872, MedGen C5779877, MONDO:0007105, OMIM 105550.
Paget disease of bone 3. Identifiers: MedGen C4085252, MONDO:0008176, OMIM 167250.
SQSTM1-related disorder. Also called: SQSTM1-Related Disorders.

Allele frequency attached by ClinVar (database versions not stated): gnomAD 0.00005 and 0.00006; gnomAD exomes 0.00006; TOPMed 0.00009; ExAC 0.00010.
gnomAD v4.1: 100 of 1,579,672 alleles (0.0063%); highest among the groups gnomAD compares: Admixed American, 0.0091%; no homozygotes.

Submissions (6):

PreventionGenetics, part of Exact Sciences
Classification: Uncertain significance for SQSTM1-related condition. Last evaluated: 2026-03-02. Review status: criteria provided, single submitter. Criteria: ACMG Guidelines, 2015. Collection method: clinical testing. Allele origin: germline.
Comment: The SQSTM1 c.962G>A variant is predicted to result in the amino acid substitution p.Arg321His. This variant was reported in individuals with frontotemporal lobar degeneration (Le Ber et al. 2013. PubMed ID: 24042580; van der Zee et al. 2014. PubMed ID: 24899140) and amyotrophic lateral sclerosis (Yilmaz et al. 2019. PubMed ID: 31859009; Vacchiano et al. 2021. PubMed ID: 34020145; Bartoletti-stella et al. 2021. PubMed ID: 33770234). This variant is reported in 0.014% of alleles in individuals of Latino descent in gnomAD. Although we suspect that this variant may be pathogenic, at this time, the clinical significance of this variant is uncertain due to the absence of conclusive functional and genetic evidence.

Labcorp Genetics (formerly Invitae), Labcorp
Classification: Uncertain significance for Paget disease of bone 2, early-onset; Frontotemporal dementia and/or amyotrophic lateral sclerosis 1. Last evaluated: 2025-11-25. Review status: criteria provided, single submitter. Criteria: Invitae Variant Classification Sherloc (09022015). Collection method: clinical testing. Allele origin: germline.
Comment: This sequence change replaces arginine, which is basic and polar, with histidine, which is basic and polar, at codon 321 of the SQSTM1 protein (p.Arg321His). This variant is present in population databases (rs752889531, gnomAD 0.01%). This missense change has been observed in individual(s) with SQSTM1-related conditions (PMID: 24042580, 24899140, 31859009). ClinVar contains an entry for this variant (Variation ID: 660485). Invitae Evidence Modeling of protein sequence and biophysical properties (such as structural, functional, and spatial information, amino acid conservation, physicochemical variation, residue mobility, and thermodynamic stability) indicates that this missense variant is not expected to disrupt SQSTM1 protein function with a negative predictive value of 80%. In summary, the available evidence is currently insufficient to determine the role of this variant in disease. Therefore, it has been classified as a Variant of Uncertain Significance.

GeneDx
Classification: Uncertain significance. Last evaluated: 2025-11-12. Review status: criteria provided, single submitter. Criteria: GeneDx Variant Classification Process June 2021. Collection method: clinical testing. Allele origin: germline. Affected: yes.
Comment: Observed in individuals with frontotemporal dementia in the published literature (PMID: 24042580, 24899140); Observed in individuals with amyotrophic lateral sclerosis in the published literature (PMID: 33770234, 40225153); In silico analysis suggests that this missense variant does not alter protein structure/function; This variant is associated with the following publications: (PMID: 24899140, 31859009, 24042580, 33770234, 40225153)

Blueprint Genetics
Classification: Uncertain significance. Last evaluated: 2024-09-23. Review status: criteria provided, single submitter. Criteria: ACMG Guidelines, 2015. Collection method: clinical testing. Allele origin: germline.

Laboratorio de Genetica e Diagnostico Molecular, Hospital Israelita Albert Einstein
Classification: Uncertain significance. Last evaluated: 2021-08-13. Review status: criteria provided, single submitter. Criteria: ACMG Guidelines, 2015. Collection method: clinical testing. Allele origin: germline. Affected: yes.

Illumina Laboratory Services, Illumina
Classification: Uncertain significance for Paget disease of bone 3. Last evaluated: 2017-04-28. Review status: criteria provided, single submitter. Criteria: ICSL Variant Classification Criteria 13 December 2019. Collection method: clinical testing. Allele origin: germline.

Literature cited by the submitters: PubMed 24042580 (cited by Labcorp Genetics (formerly Invitae), Labcorp); PubMed 24899140 (cited by Labcorp Genetics (formerly Invitae), Labcorp); PubMed 31859009 (cited by Labcorp Genetics (formerly Invitae), Labcorp).